The following is an entry in ClinVar:

ClinVar aggregate classification (germline): Pathogenic (1 of 4 stars; one submission).

Allele frequency attached by ClinVar (database versions not stated): gnomAD exomes below 0.00001.

Submission:

Labcorp Genetics (formerly Invitae), Labcorp
Classification: Pathogenic. Last evaluated: 2023-01-25. Review status: criteria provided, single submitter. Criteria: Invitae Variant Classification Sherloc (09022015). Collection method: clinical testing. Allele origin: germline.
Comment: This sequence change creates a premature translational stop signal (p.Cys2308Alafs*3) in the EYS gene. It is expected to result in an absent or disrupted protein product. Loss-of-function variants in EYS are known to be pathogenic (PMID: 18836446, 20333770). This variant is not present in population databases (gnomAD no frequency). For these reasons, this variant has been classified as Pathogenic. This variant has not been reported in the literature in individuals affected with EYS-related conditions.

Literature cited by the submitters: PubMed 18836446; PubMed 20333770.

NM_001142800.2(EYS):c.6922del (p.Cys2308fs)

Gene: EYS (EGF-like photoreceptor maintenance factor; minus strand). Cytogenetic location: 6q12.
Variant type: Deletion.
Coding change: c.6922del on transcript NM_001142800.2 (MANE Select); coding-DNA position 6922, one base deleted (T; older notation c.6922delT).
Protein change: p.Cys2308fs; shifts the reading frame from cysteine 2308.
Molecular consequence: frameshift variant.
Genome position (GRCh38, 1-based): chr6:63,984,516, A deleted on the plus strand (T on the coding strand, the reverse complement: EYS is on the minus strand). VCF-style (leftmost placement, unchanged base first): chr6-63984515-CA-C. GRCh37 (hg19) VCF-style: chr6-64694408-CA-C.
Other names: c.6922del, p.Cys2308fs (NM_001292009.2); short protein forms C2308fs.
Identifiers: ClinVar variation 2039866 (VCV002039866.4), dbSNP rs2533329613, ClinGen allele CA2580075629.